The following is an entry in ClinVar:

NM_001384474.1(LOXHD1):c.3299C>A (p.Ala1100Glu)

Gene: LOXHD1 (lipoxygenase homology PLAT domains 1; minus strand). Cytogenetic location: 18q21.1.
Variant type: single nucleotide variant.
Coding change: c.3299C>A on transcript NM_001384474.1 (MANE Select); coding-DNA position 3299, C replaced by A.
Protein change: p.Ala1100Glu; replaces alanine 1100 with glutamic acid.
Molecular consequence: missense variant. On other transcripts: 5 prime UTR variant (1).
Genome position (GRCh38, 1-based): chr18:46,557,407, G>T on the plus strand (C>A on the coding strand, the complement: LOXHD1 is on the minus strand). VCF-style: chr18-46557407-G-T. GRCh37 (hg19) VCF-style: chr18-44137370-G-T.
Other names: c.-35C>A (NM_001145472.3); c.3299C>A, p.Ala1100Glu (NM_144612.7); c.3299C>A (NM_144612.6); short protein forms A1100E.
Identifiers: ClinVar variation 2142588 (VCV002142588.5), dbSNP rs758287562, ClinGen allele CA8952517.

ClinVar aggregate classification (germline): Uncertain significance. Review status: criteria provided, multiple submitters, no conflicts (2 of 4 stars). 4 submissions from 4 submitters: Uncertain significance (4). Last evaluated 2026-07-16.

Conditions:
Inborn genetic diseases. Identifiers: MedGen C0950123, MeSH D030342.
LOXHD1-related disorder. Also called: LOXHD1-related condition.

Allele frequency attached by ClinVar (database versions not stated): TOPMed 0.00020; ExAC 0.00004; gnomAD 0.00010.
gnomAD v4.1: 45 of 1,552,228 alleles (0.0029%); highest among the groups gnomAD compares: African/African-American, 0.044%; no homozygotes.

Submissions (4):

GeneDx
Classification: Uncertain significance. Last evaluated: 2026-07-16. Review status: criteria provided, single submitter. Criteria: GeneDx Variant Classification Process June 2021. Collection method: clinical testing. Allele origin: germline.
Comment: In silico analysis suggests that this missense variant does not alter protein structure/function; Has not been previously published as pathogenic or benign to our knowledge

Ambry Genetics
Classification: Uncertain significance for Inborn genetic diseases. Last evaluated: 2026-07-03. Review status: criteria provided, single submitter. Criteria: Ambry Variant Classification Scheme 2023. Collection method: clinical testing. Allele origin: germline.

PreventionGenetics, part of Exact Sciences
Classification: Uncertain significance for LOXHD1-related condition. Last evaluated: 2024-11-11. Review status: criteria provided, single submitter. Criteria: ACMG Guidelines, 2015. Collection method: clinical testing. Allele origin: germline.
Comment: The LOXHD1 c.3299C>A variant is predicted to result in the amino acid substitution p.Ala1100Glu. To our knowledge, this variant has not been reported in the literature. This variant is reported in 0.056% of alleles in individuals of African descent in gnomAD. Although we suspect that this variant may be benign, at this time, the clinical significance of this variant is uncertain due to the absence of conclusive functional and genetic evidence.

Labcorp Genetics (formerly Invitae), Labcorp
Classification: Uncertain significance. Last evaluated: 2022-01-26. Review status: criteria provided, single submitter. Criteria: Invitae Variant Classification Sherloc (09022015). Collection method: clinical testing. Allele origin: germline.
Comment: This sequence change replaces alanine, which is neutral and non-polar, with glutamic acid, which is acidic and polar, at codon 1100 of the LOXHD1 protein (p.Ala1100Glu). This variant is present in population databases (rs758287562, gnomAD 0.06%). This variant has not been reported in the literature in individuals affected with LOXHD1-related conditions. Algorithms developed to predict the effect of missense changes on protein structure and function are either unavailable or do not agree on the potential impact of this missense change (SIFT: "Deleterious"; PolyPhen-2: "Probably Damaging"; Align-GVGD: "Class C0"). In summary, the available evidence is currently insufficient to determine the role of this variant in disease. Therefore, it has been classified as a Variant of Uncertain Significance.